The following is an entry in ClinVar:

NM_014714.4(IFT140):c.4040+3G>A

Gene: IFT140 (intraflagellar transport 140; minus strand). Cytogenetic location: 16p13.3.
Variant type: single nucleotide variant.
Coding change: c.4040+3G>A on transcript NM_014714.4 (MANE Select); 3 bases into the intron after coding-DNA position 4040, G replaced by A.
Molecular consequence: intron variant.
Genome position (GRCh38, 1-based): chr16:1,519,878, C>T on the plus strand (G>A on the coding strand, the complement: IFT140 is on the minus strand). VCF-style: chr16-1519878-C-T. GRCh37 (hg19) VCF-style: chr16-1569879-C-T.
Identifiers: ClinVar variation 2061398 (VCV002061398.4), dbSNP rs779462689, ClinGen allele CA7812945.

ClinVar aggregate classification (germline): Uncertain significance (1 of 4 stars; one submission).

Conditions:
Saldino-Mainzer syndrome (SRTD9). Also called: CONORENAL SYNDROME; Renal dysplasia, retinal pigmentary dystrophy, cerebellar ataxia and skeletal dysplasia; SHORT-RIB THORACIC DYSPLASIA 9 WITHOUT POLYDACTYLY; short-rib thoracic dysplasia 9 with or without polydactyly. Identifiers: Orphanet 140969, MedGen C1849437, MONDO:0009964, OMIM 266920.

Allele frequency attached by ClinVar (database versions not stated): gnomAD exomes below 0.00001; gnomAD 0.00001; TOPMed 0.00005.
gnomAD v4.1: 5 of 1,530,918 alleles (0.00033%); highest among the groups gnomAD compares: African/African-American, 0.0056%; no homozygotes.

Submission:

Labcorp Genetics (formerly Invitae), Labcorp
Classification: Uncertain significance for Saldino-Mainzer syndrome. Last evaluated: 2025-12-02. Review status: criteria provided, single submitter. Criteria: Invitae Variant Classification Sherloc (09022015). Collection method: clinical testing. Allele origin: germline.
Comment: This sequence change falls in intron 29 of the IFT140 gene. It does not directly change the encoded amino acid sequence of the IFT140 protein. It affects a nucleotide within the consensus splice site. This variant is present in population databases (rs779462689, gnomAD 0.007%). This variant has not been reported in the literature in individuals affected with IFT140-related conditions. ClinVar contains an entry for this variant (Variation ID: 2061398). Variants that disrupt the consensus splice site are a relatively common cause of aberrant splicing (PMID: 17576681, 9536098). Algorithms developed to predict the effect of sequence changes on RNA splicing suggest that this variant is not likely to affect RNA splicing. In summary, the available evidence is currently insufficient to determine the role of this variant in disease. Therefore, it has been classified as a Variant of Uncertain Significance.

Literature cited by the submitters: PubMed 17576681; PubMed 9536098.